The following is an entry in ClinVar:

ClinVar aggregate classification (germline): Likely benign (1 of 4 stars; one submission).

gnomAD v4.1: 90 of 1,613,910 alleles (0.0056%); highest among the groups gnomAD compares: Middle Eastern, 0.016%; no homozygotes.

Submission:

CeGaT Center for Human Genetics Tuebingen
Classification: Likely benign. Last evaluated: 2026-03-01. Review status: criteria provided, single submitter. Criteria: CeGaT Center For Human Genetics Tuebingen Variant Classification Criteria Version 2. Collection method: clinical testing. Allele origin: germline. Affected: yes. Observed: 2 variant alleles.
Comment: SLF2: BP4, BP7

NM_018121.4(SLF2):c.1383C>T (p.Thr461=)

Gene: SLF2 (SMC5/6 complex localization factor 2; plus strand). Cytogenetic location: 10q24.31.
Variant type: single nucleotide variant.
Coding change: c.1383C>T on transcript NM_018121.4 (MANE Select); coding-DNA position 1383, C replaced by T.
Protein change: p.Thr461=; no amino-acid change (threonine 461 retained).
Molecular consequence: synonymous variant.
Genome position (GRCh38, 1-based): chr10:100,924,384, C>T. VCF-style: chr10-100924384-C-T. GRCh37 (hg19) VCF-style: chr10-102684141-C-T.
Other names: c.1383C>T, p.Thr461= (NM_001136123.2).
Identifiers: ClinVar variation 4681454 (VCV004681454.5).